The following is an entry in ClinVar:

NM_001354640.2(CIROP):c.595del (p.His199fs)

Gene: CIROP (ciliated left-right organizer metallopeptidase; minus strand). Cytogenetic location: 14q11.2.
Variant type: Deletion.
Coding change: c.595del on transcript NM_001354640.2 (MANE Select); coding-DNA position 595, one base deleted (C; older notation c.595delC).
Protein change: p.His199fs; shifts the reading frame from histidine 199.
Molecular consequence: frameshift variant.
Genome position (GRCh38, 1-based): chr14:23,103,683, G deleted on the plus strand (C on the coding strand, the reverse complement: CIROP is on the minus strand); the first of 2 consecutive G bases (chr14:23,103,683-23,103,684); deleting either gives the same sequence. VCF-style (leftmost placement, unchanged base first): chr14-23103682-TG-T. GRCh37 (hg19) VCF-style: chr14-23572891-TG-T.
Other names: c.604del, p.His202fs (NM_001402427.1); short protein forms H202fs, H199fs.
Identifiers: ClinVar variation 4990621 (VCV004990621.1).

ClinVar aggregate classification (germline): Likely pathogenic (1 of 4 stars; one submission).

Conditions:
CIROP-related disorder. Also called: CIROP-related condition.

Submission:

PreventionGenetics, part of Exact Sciences
Classification: Likely pathogenic for CIROP-related condition. Last evaluated: 2025-01-14. Review status: criteria provided, single submitter. Criteria: ACMG Guidelines, 2015. Collection method: clinical testing. Allele origin: germline.
Comment: The CIROP c.595delC variant is predicted to result in a frameshift and premature protein termination (p.His199Thrfs*24). To our knowledge, this variant has not been reported in the literature or in a large population database (gnomAD), indicating this variant is rare. Frameshift variants in CIROP are expected to be pathogenic. This variant is interpreted as likely pathogenic.